The following is an entry in ClinVar:

NM_004415.4(DSP):c.6562del (p.Glu2188fs)

Gene: DSP (desmoplakin; plus strand). Cytogenetic location: 6p24.3.
Variant type: Deletion.
Coding change: c.6562del on transcript NM_004415.4 (MANE Select); coding-DNA position 6562, one base deleted (G; older notation c.6562delG).
Protein change: p.Glu2188fs; shifts the reading frame from glutamic acid 2188.
Molecular consequence: frameshift variant.
Genome position (GRCh38, 1-based): chr6:7,583,824, G deleted; the last of 2 consecutive G bases (chr6:7,583,823-7,583,824); deleting either gives the same sequence. VCF-style (leftmost placement, unchanged base first): chr6-7583822-AG-A. GRCh37 (hg19) VCF-style: chr6-7584055-AG-A.
Other names: c.4765del, p.Glu1589fs (NM_001008844.3); c.5233del, p.Glu1745fs (NM_001319034.2); short protein forms E1589fs, E1745fs, E2188fs.
Identifiers: ClinVar variation 1070496 (VCV001070496.9), dbSNP rs2113700654, ClinGen allele CA2499218564.
Genomic context (GRCh38, chr6:7,583,822, plus strand): 5'-ATAGTCAGAAAAACTTTGTGGATCCAGTCACCAAAAAGAAGGTCAGTTACGTGCAGCTGA[AG>A]GAACGGTGCAGAATCGAACCACATACTGGTCTGCTCTTGCTTTCAGTACAGAAGAGAAGC-3'

ClinVar aggregate classification (germline): Pathogenic (1 of 4 stars; one submission).

Conditions:
Arrhythmogenic cardiomyopathy with wooly hair and keratoderma. Also called: PALMOPLANTAR KERATODERMA WITH LEFT VENTRICULAR CARDIOMYOPATHY AND WOOLLY HAIR; Arrhythmogenic cardiomyopathy with woolly hair and keratoderma; Carvajal syndrome; Dilated cardiomyopathy with woolly hair and keratoderma. Identifiers: Orphanet 65282, MedGen C1854063, MONDO:0011581, OMIM 605676.
Arrhythmogenic right ventricular dysplasia 8 (ARVD8). Also called: ARRHYTHMOGENIC RIGHT VENTRICULAR DYSPLASIA, FAMILIAL, 8; ARRHYTHMOGENIC RIGHT VENTRICULAR CARDIOMYOPATHY 8; Arrhythmogenic Right Ventricular Dysplasia/Cardiomyopathy 8. Identifiers: MedGen C1843896, MONDO:0011831, OMIM 607450.

Submission:

Labcorp Genetics (formerly Invitae), Labcorp
Classification: Pathogenic for Arrhythmogenic cardiomyopathy with wooly hair and keratoderma; Arrhythmogenic right ventricular dysplasia 8. Last evaluated: 2020-08-27. Review status: criteria provided, single submitter. Criteria: Invitae Variant Classification Sherloc (09022015). Collection method: clinical testing. Allele origin: germline.
Comment: This sequence change results in a premature translational stop signal in the DSP gene (p.Glu2188Asnfs*30). While this is not anticipated to result in nonsense mediated decay, it is expected to disrupt the last 684 amino acids of the DSP protein. This variant is not present in population databases (ExAC no frequency). This variant has not been reported in the literature in individuals with DSP-related conditions. This variant disrupts the C-terminus of the DSP protein. Other variant(s) that disrupt this region (p.Glu2728Glyfs*11) have been determined to be pathogenic (Invitae). This suggests that variants that disrupt this region of the protein are likely to be causative of disease. For these reasons, this variant has been classified as Pathogenic.